The following is an entry in ClinVar:

ClinVar aggregate classification (germline): Uncertain significance (1 of 4 stars; one submission).

Submission:

Labcorp Genetics (formerly Invitae), Labcorp
Classification: Uncertain significance. Last evaluated: 2020-07-22. Review status: criteria provided, single submitter. Criteria: Invitae Variant Classification Sherloc (09022015). Collection method: clinical testing. Allele origin: germline.
Comment: This sequence change falls in intron 44 of the POLE gene. It does not directly change the encoded amino acid sequence of the POLE protein. This variant is not present in population databases (ExAC no frequency). This variant has not been reported in the literature in individuals with POLE-related conditions. Algorithms developed to predict the effect of sequence changes on RNA splicing suggest that this variant may disrupt the consensus splice site, but this prediction has not been confirmed by published transcriptional studies. In summary, the available evidence is currently insufficient to determine the role of this variant in disease. Therefore, it has been classified as a Variant of Uncertain Significance.

NM_006231.4(POLE):c.6137-7C>G

Gene: POLE (DNA polymerase epsilon, catalytic subunit; minus strand). Cytogenetic location: 12q24.33.
Variant type: single nucleotide variant.
Coding change: c.6137-7C>G on transcript NM_006231.4 (MANE Select); 7 bases into the intron before coding-DNA position 6137, C replaced by G.
Molecular consequence: intron variant.
Genome position (GRCh38, 1-based): chr12:132,632,515, G>C on the plus strand (C>G on the coding strand, the complement: POLE is on the minus strand). VCF-style: chr12-132632515-G-C. GRCh37 (hg19) VCF-style: chr12-133209101-G-C.
Identifiers: ClinVar variation 1023933 (VCV001023933.8), dbSNP rs1057523210, ClinGen allele CA2072980690.